The following is an entry in ClinVar:

NM_000138.5(FBN1):c.5861del (p.Phe1954fs)

Gene: FBN1 (fibrillin 1; minus strand). Cytogenetic location: 15q21.1.
Variant type: Deletion.
Coding change: c.5861del on transcript NM_000138.5 (MANE Select); coding-DNA position 5861, one base deleted (T; older notation c.5861delT).
Protein change: p.Phe1954fs; shifts the reading frame from phenylalanine 1954.
Molecular consequence: frameshift variant.
Genome position (GRCh38, 1-based): chr15:48,445,432, A deleted on the plus strand (T on the coding strand, the reverse complement: FBN1 is on the minus strand); the first of 3 consecutive A bases (chr15:48,445,432-48,445,434); deleting any one gives the same sequence. VCF-style (leftmost placement, unchanged base first): chr15-48445431-GA-G. GRCh37 (hg19) VCF-style: chr15-48737628-GA-G.
Other names: c.5861delT (NM_000138.4); short protein forms F1954fs.
Identifiers: ClinVar variation 505296 (VCV000505296.4), dbSNP rs1555395756, ClinGen allele CA658798343.

ClinVar aggregate classification (germline): Pathogenic (1 of 4 stars; one submission).

Conditions:
Marfan syndrome (MFS). Also called: Marfan syndrome type 1; Marfan syndrome, classic; Marfan's syndrome; FBN1-Related Marfan Syndrome; MARFAN SYNDROME, TYPE I. Identifiers: Orphanet 284963, Orphanet 558, MedGen C0024796, MONDO:0007947, OMIM 154700.

Submission:

Laboratory for Molecular Medicine, Mass General Brigham Personalized Medicine
Classification: Pathogenic for Marfan syndrome. Last evaluated: 2016-09-20. Review status: criteria provided, single submitter. Criteria: LMM Criteria. Collection method: clinical testing. Allele origin: germline. Inheritance: Autosomal dominant inheritance. Observed: 1 variant allele.
Comment: The p.Phe1954fs variant in FBN1 has not been previously reported in individuals with clinical features of Marfan syndrome or in large population studies. This v ariant is predicted to cause a frameshift, which alters the protein?s amino acid sequence beginning at position 1954 and leads to a premature termination codon 26 amino acids downstream. Heterozygous loss of function of the FBN1 gene is an established disease mechanism in individuals with Marfan syndrome. In summary, t his variant meets our criteria to be classified as pathogenic for Marfan syndrom e in an autosomal dominant manner based upon the predicted impact to the protein .

Literature cited by the submitters: PubMed 26787436.